The following is an entry in ClinVar:

NM_000398.7(CYB5R3):c.898G>A (p.Val300Ile)

Gene: CYB5R3 (cytochrome b5 reductase 3; minus strand). Cytogenetic location: 22q13.2.
Variant type: single nucleotide variant.
Coding change: c.898G>A on transcript NM_000398.7 (MANE Select); coding-DNA position 898, G replaced by A.
Protein change: p.Val300Ile; replaces valine 300 with isoleucine.
Molecular consequence: missense variant.
Genome position (GRCh38, 1-based): chr22:42,619,781, C>T on the plus strand (G>A on the coding strand, the complement: CYB5R3 is on the minus strand). VCF-style: chr22-42619781-C-T. GRCh37 (hg19) VCF-style: chr22-43015787-C-T.
Other names: p.Val300Ile; c.829G>A, p.Val277Ile (NM_001129819.2, NM_001171661.1, NM_007326.4); c.997G>A, p.Val333Ile (NM_001171660.2); short protein forms V277I, V300I, V333I.
Identifiers: ClinVar variation 778955 (VCV000778955.24), dbSNP rs61743746, ClinGen allele CA10269554.
Genomic context (GRCh38, chr22:42,619,781, plus strand): 5'-GAACAGGGCGTGGGGTGCGCGGGGCGGGTGGCCGTGTGACCGTGCCCGGCCCTCAGAAGA[C>T]GAAGCAGCGCTCCGTGGGGTGGCCCACGTGGTCCAGGTTGGGAAGGCAGGCGTACTGGAT-3'
Protein context (NP_000389.1, residues 290-301): HVGHPTERCF[Val300Ile]F

ClinVar aggregate classification (germline): Benign. Review status: criteria provided, multiple submitters, no conflicts (2 of 4 stars). 4 submissions from 4 submitters: Benign (4). Last evaluated 2026-01-21.

Allele frequency attached by ClinVar (database versions not stated): gnomAD exomes 0.00202; ExAC 0.00550; gnomAD 0.00758 and 0.00802; TOPMed 0.00853; ESP Exome Variant Server 0.00886; 1000 Genomes Project 0.00958; 1000 Genomes Project 30x 0.00968.
gnomAD v4.1: 2,336 of 1,582,544 alleles (0.15%); highest among the groups gnomAD compares: African/African-American, 2.6%; 28 homozygotes.

Submissions (4):

Labcorp Genetics (formerly Invitae), Labcorp
Classification: Benign. Last evaluated: 2026-01-21. Review status: criteria provided, single submitter. Criteria: Invitae Variant Classification Sherloc (09022015). Collection method: clinical testing. Allele origin: germline.

ARUP Laboratories, Molecular Genetics and Genomics, ARUP Laboratories
Classification: Benign. Last evaluated: 2025-04-08. Review status: criteria provided, single submitter. Criteria: ARUP Molecular Germline Variant Investigation Process 2024. Collection method: clinical testing. Allele origin: germline.

Mayo Clinic Laboratories, Mayo Clinic
Classification: Benign. Last evaluated: 2024-09-24. Review status: criteria provided, single submitter. Criteria: ACMG Guidelines, 2015. Collection method: clinical testing. Allele origin: germline. Observed: 2 variant alleles.
Comment: BS1, BS2, BP4

Breakthrough Genomics
Classification: Benign. Review status: criteria provided, single submitter. Criteria: ACMG Guidelines, 2015. Collection method: not provided. Allele origin: germline. Inheritance: Autosomal recessive inheritance. Affected: yes.